The following is an entry in ClinVar:

NM_001374353.1(GLI2):c.3353C>A (p.Ser1118Tyr)

Gene: GLI2 (GLI family zinc finger 2; plus strand). Cytogenetic location: 2q14.2.
Variant type: single nucleotide variant.
Coding change: c.3353C>A on transcript NM_001374353.1 (MANE Select); coding-DNA position 3353, C replaced by A.
Protein change: p.Ser1118Tyr; replaces serine 1118 with tyrosine.
Molecular consequence: missense variant.
Genome position (GRCh38, 1-based): chr2:120,989,318, C>A. VCF-style: chr2-120989318-C-A. GRCh37 (hg19) VCF-style: chr2-121746894-C-A.
Other names: c.2978C>A, p.Ser993Tyr (NM_001374354.1); c.3404C>A, p.Ser1135Tyr (NM_001371271.1, NM_005270.5); short protein forms S1118Y, S993Y, S1135Y.
Identifiers: ClinVar variation 4264123 (VCV004264123.2).
Genomic context (GRCh38, chr2:120,989,318, plus strand): 5'-CCAACGTGGGCCCCTCCGCCCCTATGCTGGGAGGATGCCAGTTAGGCTTTGGGGCGCCCT[C>A]CAGCCTGAACAAAAATAACATGCCTGTGCAGTGGAATGAGGTGAGCTCCGGCACCGTAGA-3'
Protein context (NP_001361282.1, residues 1108-1128): GGCQLGFGAP[Ser1118Tyr]SLNKNNMPVQ

ClinVar aggregate classification (germline): Uncertain significance. Review status: criteria provided, multiple submitters, no conflicts (2 of 4 stars). 2 submissions from 2 submitters: Uncertain significance (2). Last evaluated 2025-10-25.

Conditions:
Holoprosencephaly 9 (HPE9). Also called: HOLOPROSENCEPHALY WITH MICROPHTHALMIA AND FIRST BRANCHIAL ARCH ANOMALIES; PITUITARY ANOMALIES WITH HOLOPROSENCEPHALY-LIKE FEATURES. Identifiers: Orphanet 2162, MedGen C1835819, MONDO:0012563, OMIM 610829.
Postaxial polydactyly-anterior pituitary anomalies-facial dysmorphism syndrome. Also called: Culler-Jones syndrome. Identifiers: Orphanet 420584, MedGen C4014479, MONDO:0014369, OMIM 615849.
Inborn genetic diseases. Identifiers: MedGen C0950123, MeSH D030342.

gnomAD v4.1: 8 of 1,613,076 alleles (0.0005%); highest among the groups gnomAD compares: Non-Finnish European, 0.00068%; no homozygotes.

Submissions (2):

Labcorp Genetics (formerly Invitae), Labcorp
Classification: Uncertain significance for Postaxial polydactyly-anterior pituitary anomalies-facial dysmorphism syndrome; Holoprosencephaly 9. Last evaluated: 2025-10-25. Review status: criteria provided, single submitter. Criteria: Invitae Variant Classification Sherloc (09022015). Collection method: clinical testing. Allele origin: germline.
Comment: This sequence change replaces serine, which is neutral and polar, with tyrosine, which is neutral and polar, at codon 1135 of the GLI2 protein (p.Ser1135Tyr). The frequency data for this variant in the population databases is considered unreliable, as metrics indicate poor data quality at this position in the gnomAD database. This variant has not been reported in the literature in individuals affected with GLI2-related conditions. ClinVar contains an entry for this variant (Variation ID: 4264123). An algorithm developed to predict the effect of missense changes on protein structure and function (PolyPhen-2) suggests that this variant is likely to be disruptive. In summary, the available evidence is currently insufficient to determine the role of this variant in disease. Therefore, it has been classified as a Variant of Uncertain Significance.

Ambry Genetics
Classification: Uncertain significance for Inborn genetic diseases. Last evaluated: 2025-06-17. Review status: criteria provided, single submitter. Criteria: Ambry Variant Classification Scheme 2023. Collection method: clinical testing. Allele origin: germline.